The following is an entry in ClinVar:

NM_016222.4(DDX41):c.1030G>T (p.Asp344Tyr)

Gene: DDX41 (DEAD-box helicase 41; minus strand). Cytogenetic location: 5q35.3.
Variant type: single nucleotide variant.
Coding change: c.1030G>T on transcript NM_016222.4 (MANE Select); coding-DNA position 1030, G replaced by T.
Protein change: p.Asp344Tyr; replaces aspartic acid 344 with tyrosine.
Molecular consequence: missense variant.
Genome position (GRCh38, 1-based): chr5:177,513,753, C>A on the plus strand (G>T on the coding strand, the complement: DDX41 is on the minus strand). VCF-style: chr5-177513753-C-A. GRCh37 (hg19) VCF-style: chr5-176940754-C-A.
Other names: c.652G>T, p.Asp218Tyr (NM_001321732.2, NM_001321830.2); c.1030G>T (NM_016222.3); short protein forms D218Y, D344Y.
Identifiers: ClinVar variation 2497956 (VCV002497956.9), dbSNP rs1761092414, ClinGen allele CA362374354.
Genomic context (GRCh38, chr5:177,513,753, plus strand): 5'-AGGAGAAGATGGTACGGATGTCACCCTCGAAGCCCATGTCGATCATGCGGTCAGCCTCGT[C>A]CAGGGCCAGGTAGCGACAGATGTCTAGGCTGACCATCTTCTTCTGCAGCAAATCCATGAG-3'
Protein context (NP_057306.2, residues 334-354): SLDICRYLAL[Asp344Tyr]EADRMIDMGF

ClinVar aggregate classification (germline): Conflicting classifications of pathogenicity. Review status: criteria provided, conflicting classifications (1 of 4 stars). 7 submissions from 7 submitters: Likely pathogenic (3); Uncertain significance (4). Last evaluated 2025-12-22.

Conditions:
DDX41-related hematologic malignancy predisposition syndrome. Also called: Myeloproliferative/lymphoproliferative neoplasms, familial (multiple types), susceptibility to; DDX41-Associated Familial Myelodysplastic Syndrome and Acute Myeloid Leukemia. Identifiers: Orphanet 488647, MedGen C4225174, MONDO:0014809, OMIM 616871.
Inborn genetic diseases. Identifiers: MedGen C0950123, MeSH D030342.
DDX41-related disorder. Also called: DDX41-related condition.

Allele frequency attached by ClinVar (database versions not stated): TOPMed below 0.00001; gnomAD exomes 0.00001.

Submissions (7):

Labcorp Genetics (formerly Invitae), Labcorp
Classification: Uncertain significance. Last evaluated: 2025-12-22. Review status: criteria provided, single submitter. Criteria: Invitae Variant Classification Sherloc (09022015). Collection method: clinical testing. Allele origin: germline.
Comment: This sequence change replaces aspartic acid, which is acidic and polar, with tyrosine, which is neutral and polar, at codon 344 of the DDX41 protein (p.Asp344Tyr). This variant is not present in population databases (gnomAD no frequency). This missense change has been observed in individuals with clinical features of myelodysplastic syndrome or acute myeloid leukemia (PMID: 37199125, 37506341, 37665752; external communication, internal data). ClinVar contains an entry for this variant (Variation ID: 2497956). An algorithm developed to predict the effect of missense changes on protein structure and function (PolyPhen-2) suggests that this variant is likely to be disruptive. In summary, the available evidence is currently insufficient to determine the role of this variant in disease. Therefore, it has been classified as a Variant of Uncertain Significance.

PreventionGenetics, part of Exact Sciences
Classification: Likely pathogenic for DDX41-related condition. Last evaluated: 2025-09-22. Review status: criteria provided, single submitter. Criteria: ACMG Guidelines, 2015. Collection method: clinical testing. Allele origin: germline.
Comment: The DDX41 c.1030G>T variant is predicted to result in the amino acid substitution p.Asp344Tyr. This germline variant has been reported in several individuals with myelodysplastic syndrome and/or acute myeloid leukemia (Table S2, Bataller et al. 2023. PubMed ID: 37665752; Table S1, Badar et al. 2023. PubMed ID: 37199125). This variant has not been reported in a large population database (gnomAD), indicating this variant is rare. An alternate germline missense change at the same amnio acid position (p.Asp344Gly) has been reported in two individuals with DDX41-related disorders (Table S3, Sébert et al. 2019. PubMed ID: 31484648; Table S4, Duployez et al. 2022. PubMed ID: 35443031). This variant is interpreted as likely pathogenic.

Ambry Genetics
Classification: Uncertain significance for Inborn genetic diseases. Last evaluated: 2025-04-14. Review status: criteria provided, single submitter. Criteria: Ambry Variant Classification Scheme 2023. Collection method: clinical testing. Allele origin: germline.
Comment: The p.D344Y variant (also known as c.1030G>T), located in coding exon 10 of the DDX41 gene, results from a G to T substitution at nucleotide position 1030. The aspartic acid at codon 344 is replaced by tyrosine, an amino acid with highly dissimilar properties. This amino acid position is highly conserved in available vertebrate species. In addition, this alteration is predicted to be deleterious by in silico analysis. Based on the available evidence, the clinical significance of this variant remains unclear.

Baylor Genetics
Classification: Uncertain significance for DDX41-related hematologic malignancy predisposition syndrome. Last evaluated: 2023-09-15. Review status: criteria provided, single submitter. Criteria: ACMG Guidelines, 2015. Collection method: clinical testing. Allele origin: unknown.

St. Jude Molecular Pathology, St. Jude Children's Research Hospital
Classification: Likely pathogenic for DDX41-related hematologic malignancy predisposition syndrome. Last evaluated: 2023-04-27. Review status: criteria provided, single submitter. Criteria: St. Jude Assertion Criteria 2020. Collection method: clinical testing. Allele origin: germline.
Comment: The DDX41 c.1030GT (p.Asp344Tyr) missense change is absent in gnomAD v2.1.1. This variant has been reported in multiple individuals with myelodysplastic syndrome and/or acute myeloid leukemia (personal correspondence). A variant affecting the same amino acid, p.Asp344Gly, was reported in a patient with a personal history of Hodgkin lymphoma and neutropenia and a family history of myeloma (PMID: 31484648). The in silico tool REVEL predicts a deleterious effect on protein function, but to our knowledge this prediction has not been confirmed by functional studies. In summary, this variant meets criteria to be classified as likely pathogenic.

GeneDx
Classification: Likely pathogenic. Last evaluated: 2023-04-05. Review status: criteria provided, single submitter. Criteria: GeneDx Variant Classification Process June 2021. Collection method: clinical testing. Allele origin: germline. Affected: yes.
Comment: Not observed at significant frequency in large population cohorts (gnomAD); In silico analysis supports that this missense variant has a deleterious effect on protein structure/function; This variant is associated with the following publications: (PMID: 27721487)

Blueprint Genetics
Classification: Uncertain significance. Last evaluated: 2021-07-08. Review status: criteria provided, single submitter. Criteria: ACMG Guidelines, 2015. Collection method: clinical testing. Allele origin: germline.

Literature cited by the submitters: PubMed 37199125 (cited by Labcorp Genetics (formerly Invitae), Labcorp); PubMed 37506341 (cited by Labcorp Genetics (formerly Invitae), Labcorp); PubMed 37665752 (cited by Labcorp Genetics (formerly Invitae), Labcorp).